The following is an entry in ClinVar:

ClinVar aggregate classification (germline): Benign. Review status: criteria provided, multiple submitters, no conflicts (2 of 4 stars). 9 submissions from 9 submitters: Benign (5). 4 of the submissions do not count toward it. Last evaluated 2026-02-01.

Conditions:
CYP19A1-related disorder. Also called: CYP19A1-related condition.
Aromatase deficiency. Also called: Increased aromatase activity; PSEUDOHERMAPHRODITISM, FEMALE, DUE TO PLACENTAL AROMATASE DEFICIENCY. Identifiers: Orphanet 91, MedGen C1960539, MONDO:0013301, OMIM 613546.

Allele frequency attached by ClinVar (database versions not stated): gnomAD exomes 0.02365 and 0.03003; ExAC 0.02425; 1000 Genomes Project 0.02656; 1000 Genomes Project 30x 0.02889; gnomAD 0.03319 and 0.03608; TOPMed 0.03846; ESP Exome Variant Server 0.04446.

Submissions (9):

Labcorp Genetics (formerly Invitae), Labcorp
Classification: Benign. Last evaluated: 2026-02-01. Review status: criteria provided, single submitter. Criteria: Invitae Variant Classification Sherloc (09022015). Collection method: clinical testing. Allele origin: germline.

PreventionGenetics, part of Exact Sciences
Classification: Benign for CYP19A1-related condition. Last evaluated: 2024-12-27. Review status: criteria provided, single submitter. Criteria: ACMG Guidelines, 2015. Collection method: clinical testing. Allele origin: germline.
Comment: This variant is classified as benign based on ACMG/AMP sequence variant interpretation guidelines (Richards et al. 2015 PMID: 25741868, with internal and published modifications).

Illumina Laboratory Services, Illumina
Classification: Benign for Aromatase deficiency. Last evaluated: 2018-03-06. Review status: criteria provided, single submitter. Criteria: ICSL Variant Classification Criteria 13 December 2019. Collection method: clinical testing. Allele origin: germline.
Comment: This variant was observed in the ICSL laboratory as part of a predisposition screen in an ostensibly healthy population. It had not been previously curated by ICSL or reported in the Human Gene Mutation Database (HGMD: prior to June 1st, 2018), and was therefore a candidate for classification through an automated scoring system. Utilizing variant allele frequency, disease prevalence and penetrance estimates, and inheritance mode, an automated score was calculated to assess if this variant is too frequent to cause the disease. Based on the score and internal cut-off values, a variant classified as benign is not then subjected to further curation. The score for this variant resulted in a classification of benign for this disease.

GeneDx
Classification: Benign. Last evaluated: 2015-03-03. Review status: criteria provided, single submitter. Criteria: GeneDx Variant Classification Process June 2021. Collection method: clinical testing. Allele origin: germline. Affected: yes.
Comment: This variant is associated with the following publications: (PMID: 16424004, 19470632)

Breakthrough Genomics
Classification: Benign. Review status: criteria provided, single submitter. Criteria: ACMG Guidelines, 2015. Collection method: not provided. Allele origin: germline. Inheritance: Unknown mechanism. Affected: yes.

Natera, Inc.
Classification: Benign for Aromatase deficiency. Last evaluated: 2019-11-25. Review status: no assertion criteria provided. Collection method: clinical testing. Allele origin: germline. Not counted in ClinVar's aggregate classification.

Diagnostic Laboratory, Department of Genetics, University Medical Center Groningen
Classification: Benign. Review status: no assertion criteria provided. Collection method: clinical testing. Allele origin: germline. Affected: yes. Study: VKGL Data-share Consensus. Not counted in ClinVar's aggregate classification.

Genome Diagnostics Laboratory, University Medical Center Utrecht
Classification: Benign. Review status: no assertion criteria provided. Collection method: clinical testing. Allele origin: germline. Affected: yes. Study: VKGL Data-share Consensus. Not counted in ClinVar's aggregate classification.

Laboratory of Diagnostic Genome Analysis, Leiden University Medical Center (LUMC)
Classification: Benign. Review status: no assertion criteria provided. Collection method: clinical testing. Allele origin: germline. Affected: yes. Study: VKGL Data-share Consensus. Not counted in ClinVar's aggregate classification.

NM_000103.4(CYP19A1):c.602C>T (p.Thr201Met)

Genes: CYP19A1 (cytochrome P450 family 19 subfamily A member 1; minus strand), MIR4713HG (MIR4713 host gene; plus strand), PIRC66 (piwi-interacting RNA cluster 66; plus strand). Cytogenetic location: 15q21.2.
Variant type: single nucleotide variant.
Coding change: c.602C>T on transcript NM_000103.4 (MANE Select); coding-DNA position 602, C replaced by T.
Protein change: p.Thr201Met; replaces threonine 201 with methionine.
Molecular consequence: missense variant.
Genome position (GRCh38, 1-based): chr15:51,222,375, G>A on the plus strand (C>T on the coding strand, the complement: CYP19A1 is on the minus strand). VCF-style: chr15-51222375-G-A. GRCh37 (hg19) VCF-style: chr15-51514572-G-A.
Other names: c.602C>T, p.Thr201Met (NM_001347248.1, NM_001347249.2, NM_001347250.2 and 7 more transcripts); short protein forms T201M.
Identifiers: ClinVar variation 316476 (VCV000316476.24), dbSNP rs28757184, ClinGen allele CA7560016.
Genomic context (GRCh38, chr15:51,222,375, plus strand): 5'-GATGGTCAAGATGTGAGAGTGAAAATTTCAGTACCGTCCAAAGGGATCCTCAAGAAGAGC[G>A]TGTTAGAGGTGTCCAGCATGACACGACGCAGAAGGGTCAACACGTCCACATAGCCCGATT-3'
Protein context (NP_000094.2, residues 191-211): LRRVMLDTSN[Thr201Met]LFLRIPLDES